The following is an entry in ClinVar:

ClinVar aggregate classification (germline): Benign (1 of 4 stars; one submission).

Conditions:
Pheochromocytoma. Also called: MAX-Related Hereditary Paraganglioma-Pheochromocytoma Syndrome. Identifiers: Orphanet 29072, MedGen C0031511, MONDO:0008233, OMIM 171300, HP:0002666.

Allele frequency attached by ClinVar (database versions not stated): gnomAD exomes 0.00006; gnomAD 0.00009 and 0.00011; TOPMed 0.00013; 1000 Genomes Project 30x 0.00047; 1000 Genomes Project 0.00060.
gnomAD v4.1: 81 of 1,267,658 alleles (0.0064%); highest among the groups gnomAD compares: African/African-American, 0.016%; no homozygotes.

Submission:

Illumina Laboratory Services, Illumina
Classification: Benign for Pheochromocytoma. Last evaluated: 2018-01-12. Review status: criteria provided, single submitter. Criteria: ICSL Variant Classification Criteria 13 December 2019. Collection method: clinical testing. Allele origin: germline.
Comment: This variant was observed in the ICSL laboratory as part of a predisposition screen in an ostensibly healthy population. It had not been previously curated by ICSL or reported in the Human Gene Mutation Database (HGMD: prior to June 1st, 2018), and was therefore a candidate for classification through an automated scoring system. Utilizing variant allele frequency, disease prevalence and penetrance estimates, and inheritance mode, an automated score was calculated to assess if this variant is too frequent to cause the disease. Based on the score and internal cut-off values, a variant classified as benign is not then subjected to further curation. The score for this variant resulted in a classification of benign for this disease.

NM_002382.5(MAX):c.*375G>A

Gene: MAX (MYC associated transcriptional regulator X; minus strand). Cytogenetic location: 14q23.3.
Variant type: single nucleotide variant.
Coding change: c.*375G>A on transcript NM_002382.5 (MANE Select); 375 bases downstream of the stop codon, G replaced by A.
Molecular consequence: 3 prime UTR variant. On other transcripts: intron variant (2).
Genome position (GRCh38, 1-based): chr14:65,076,101, C>T on the plus strand (G>A on the coding strand, the complement: MAX is on the minus strand). VCF-style: chr14-65076101-C-T. GRCh37 (hg19) VCF-style: chr14-65542819-C-T.
Other names: c.*375G>A (NM_001320415.2, NM_001407094.1, NM_001407095.1 and 7 more transcripts); c.*631G>A (NM_001407096.1, NM_001407099.1, NM_001407102.1 and 2 more transcripts); c.*647G>A (NM_001407097.1, NM_001407100.1, NM_001407101.1 and 4 more transcripts); c.144+17607G>A (NM_001271069.2); c.171+17607G>A (NM_197957.4).
Identifiers: ClinVar variation 313808 (VCV000313808.6), dbSNP rs539220905, ClinGen allele CA10640651.
Genomic context (GRCh38, chr14:65,076,101, plus strand): 5'-CAGATTCACAAAGTCTATCAGAGGTGAGGGCGGGCCAGGAGGCCACCTGGGCAGGGCAGG[C>T]GTCCCCCGGGCATGTGCCCGGCAGGGCTGGAGGAGCTGGTAGGGTGGGCAGGACACTATG-3'